The following is an entry in ClinVar:

NM_006231.4(POLE):c.3229C>A (p.Arg1077Ser)

Gene: POLE (DNA polymerase epsilon, catalytic subunit; minus strand). Cytogenetic location: 12q24.33.
Variant type: single nucleotide variant.
Coding change: c.3229C>A on transcript NM_006231.4 (MANE Select); coding-DNA position 3229, C replaced by A.
Protein change: p.Arg1077Ser; replaces arginine 1077 with serine.
Molecular consequence: missense variant.
Genome position (GRCh38, 1-based): chr12:132,659,341, G>T on the plus strand (C>A on the coding strand, the complement: POLE is on the minus strand). VCF-style: chr12-132659341-G-T. GRCh37 (hg19) VCF-style: chr12-133235927-G-T.
Other names: short protein forms R1077S.
Identifiers: ClinVar variation 2812738 (VCV002812738.3), dbSNP rs149777592, ClinGen allele CA387390446.

ClinVar aggregate classification (germline): Uncertain significance (1 of 4 stars; one submission).

Submission:

Labcorp Genetics (formerly Invitae), Labcorp
Classification: Uncertain significance. Last evaluated: 2022-11-08. Review status: criteria provided, single submitter. Criteria: Invitae Variant Classification Sherloc (09022015). Collection method: clinical testing. Allele origin: germline.
Comment: In summary, the available evidence is currently insufficient to determine the role of this variant in disease. Therefore, it has been classified as a Variant of Uncertain Significance. Advanced modeling of protein sequence and biophysical properties (such as structural, functional, and spatial information, amino acid conservation, physicochemical variation, residue mobility, and thermodynamic stability) performed at Invitae indicates that this missense variant is not expected to disrupt POLE protein function. This variant has not been reported in the literature in individuals affected with POLE-related conditions. This variant is not present in population databases (gnomAD no frequency). This sequence change replaces arginine, which is basic and polar, with serine, which is neutral and polar, at codon 1077 of the POLE protein (p.Arg1077Ser).